The following is an entry in ClinVar:

ClinVar aggregate classification (germline): Uncertain significance (1 of 4 stars; one submission).

Submission:

Labcorp Genetics (formerly Invitae), Labcorp
Classification: Uncertain significance. Last evaluated: 2023-12-01. Review status: criteria provided, single submitter. Criteria: Invitae Variant Classification Sherloc (09022015). Collection method: clinical testing. Allele origin: germline.
Comment: This sequence change replaces aspartic acid, which is acidic and polar, with glycine, which is neutral and non-polar, at codon 13 of the DDX3X protein (p.Asp13Gly). This variant is not present in population databases (gnomAD no frequency). This variant has not been reported in the literature in individuals affected with DDX3X-related conditions. ClinVar contains an entry for this variant (Variation ID: 1377586). Experimental studies and prediction algorithms are not available or were not evaluated, and the functional significance of this variant is currently unknown. In summary, the available evidence is currently insufficient to determine the role of this variant in disease. Therefore, it has been classified as a Variant of Uncertain Significance.

NM_001356.5(DDX3X):c.38A>G (p.Asp13Gly)

Gene: DDX3X (DEAD-box helicase 3 X-linked; plus strand). Cytogenetic location: Xp11.4.
Variant type: single nucleotide variant.
Coding change: c.38A>G on transcript NM_001356.5 (MANE Select); coding-DNA position 38, A replaced by G.
Protein change: p.Asp13Gly; replaces aspartic acid 13 with glycine.
Molecular consequence: missense variant. On other transcripts: 5 prime UTR variant (1), non-coding transcript variant (2).
Genome position (GRCh38, 1-based): chrX:41,334,290, A>G. VCF-style: chrX-41334290-A-G. GRCh37 (hg19) VCF-style: chrX-41193543-A-G.
Other names: c.38A>G, p.Asp13Gly (NM_001193416.3, NM_001193417.3); c.-1866A>G (NM_001363819.1); short protein forms D13G.
Identifiers: ClinVar variation 1377586 (VCV001377586.6), dbSNP rs2147332843, ClinGen allele CA412761574.
Genomic context (GRCh38, chrX:41,334,290, plus strand): 5'-CGAGTTCTCGGTACTCTTCAGGGATGAGTCATGTGGCAGTGGAAAATGCGCTCGGGCTGG[A>G]CCAGCAGGTGAGCCGCAAGAACCCCACCGGGCTGGCTGCTGCGTGAATTCCTCCCCTGAC-3'
Protein context (NP_001347.3, residues 3-23): HVAVENALGL[Asp13Gly]QQFAGLDLNS